The following is an entry in ClinVar:

NM_001429.4(EP300):c.5061+6C>T

Gene: EP300 (EP300 lysine acetyltransferase; plus strand). Cytogenetic location: 22q13.2.
Variant type: single nucleotide variant.
Coding change: c.5061+6C>T on transcript NM_001429.4 (MANE Select); 6 bases into the intron after coding-DNA position 5061, C replaced by T.
Molecular consequence: intron variant.
Genome position (GRCh38, 1-based): chr22:41,176,534, C>T. VCF-style: chr22-41176534-C-T. GRCh37 (hg19) VCF-style: chr22-41572538-C-T.
Other names: c.4983+6C>T (NM_001362843.2).
Identifiers: ClinVar variation 4978267 (VCV004978267.1).
Genomic context (GRCh38, chr22:41,176,534, plus strand): 5'-CTGCAATGAATGCAAGCACCATGTGGAGACACGCTGGCACTGTACTGTCTGTGAGGTAGG[C>T]ACCGGGTTGTGGGAAGGAGGAGGTGAGCTCCGCAGGGTTGTTCTGAGGGGCCATGCAGCC-3'

ClinVar aggregate classification (germline): Likely benign (1 of 4 stars; one submission).

Conditions:
EP300-related disorder. Also called: EP300-related condition; EP300-related disorders.

gnomAD v4.1: 23 of 1,613,524 alleles (0.0014%); highest among the groups gnomAD compares: Non-Finnish European, 0.0019%; no homozygotes.

Submission:

PreventionGenetics, part of Exact Sciences
Classification: Likely benign for EP300-related condition. Last evaluated: 2024-10-13. Review status: criteria provided, single submitter. Criteria: ACMG Guidelines, 2015. Collection method: clinical testing. Allele origin: germline.
Comment: This variant is classified as likely benign based on ACMG/AMP sequence variant interpretation guidelines (Richards et al. 2015 PMID: 25741868, with internal and published modifications).